The following is an entry in ClinVar:

ClinVar aggregate classification (germline): Conflicting classifications of pathogenicity. Review status: criteria provided, conflicting classifications (1 of 4 stars). 4 submissions from 4 submitters: Uncertain significance (3); Likely benign (1). Last evaluated 2023-03-23.

Conditions:
Hereditary cancer-predisposing syndrome. Also called: Neoplastic Syndromes, Hereditary; Tumor predisposition; Hereditary Cancer Syndrome; Hereditary neoplastic syndrome. Identifiers: Orphanet 140162, MedGen C0027672, MeSH D009386, MONDO:0015356.
Hereditary breast ovarian cancer syndrome. Also called: Breast and ovarian cancer; Hereditary breast and ovarian cancer; Hereditary breast and/or ovarian cancer syndrome; BRCA1- and BRCA2-Associated Hereditary Breast and Ovarian Cancer; Hereditary breast and ovarian cancer syndrome; Hereditary breast and ovarian cancer syndrome (HBOC). Identifiers: Orphanet 145, MedGen C0677776, MeSH D061325, MONDO:0003582. Disease mechanism: loss of function.

Allele frequency attached by ClinVar (database versions not stated): gnomAD exomes below 0.00001.
gnomAD v4.1: 1 of 1,608,996 alleles (0.000062%); highest among the groups gnomAD compares: Non-Finnish European, 0.000085%; no homozygotes.

Submissions (4):

University of Washington Department of Laboratory Medicine, University of Washington
Classification: Likely benign for Hereditary cancer-predisposing syndrome. Last evaluated: 2023-03-23. Review status: criteria provided, single submitter. Criteria: Dines et al. (Genet Med. 2020). Collection method: curation. Allele origin: germline.
Comment: Missense variant in a coldspot region where missense variants are very unlikely to be pathogenic (PMID:31911673).

BRCA2 exon 11 coldspot. Reclassification based on statistical prior probability.

Labcorp Genetics (formerly Invitae), Labcorp
Classification: Uncertain significance for Hereditary breast ovarian cancer syndrome. Last evaluated: 2022-01-17. Review status: criteria provided, single submitter. Criteria: Invitae Variant Classification Sherloc (09022015). Collection method: clinical testing. Allele origin: germline.
Comment: ClinVar contains an entry for this variant (Variation ID: 141952). This variant has not been reported in the literature in individuals affected with BRCA2-related conditions. This variant is not present in population databases (gnomAD no frequency). This sequence change replaces valine, which is neutral and non-polar, with phenylalanine, which is neutral and non-polar, at codon 2203 of the BRCA2 protein (p.Val2203Phe). Advanced modeling of protein sequence and biophysical properties (such as structural, functional, and spatial information, amino acid conservation, physicochemical variation, residue mobility, and thermodynamic stability) performed at Invitae indicates that this missense variant is not expected to disrupt BRCA2 protein function. In summary, the available evidence is currently insufficient to determine the role of this variant in disease. Therefore, it has been classified as a Variant of Uncertain Significance.

GeneKor MSA
Classification: Uncertain significance for Hereditary cancer-predisposing syndrome. Last evaluated: 2018-08-01. Review status: criteria provided, single submitter. Criteria: ACMG Guidelines, 2015. Collection method: clinical testing. Allele origin: germline.

Ambry Genetics
Classification: Uncertain significance for Hereditary cancer-predisposing syndrome. Last evaluated: 2013-10-01. Review status: criteria provided, single submitter. Criteria: Ambry Autosomal Dominant and X-Linked criteria (10/2015). Collection method: clinical testing. Allele origin: germline. Observed: 1 variant allele.
Comment: The p.V2203F variant (also known as c.6607G>T and 6835G>T) is located in coding exon 10 of the BRCA2 gene. This alteration results from a G to T substitution at nucleotide position 6607. The valine at codon 2203 is replaced by phenylalanine, an amino acid with highly similar properties. This variant was not reported in population-based cohorts in the following databases: Database of Single Nucleotide Polymorphisms (dbSNP), NHLBI Exome Sequencing Project (ESP) and 1000 Genomes Project. Based on protein sequence alignment, this amino acid position is poorly conserved in available vertebrate species. In addition, this alteration is predicted to be benign and tolerated by PolyPhen and SIFT in silico analyses, respectively. Since supporting evidence is limited at this time, the clinical significance of p.V2203F remains unclear.

NM_000059.4(BRCA2):c.6607G>T (p.Val2203Phe)

Gene: BRCA2 (BRCA2 DNA repair associated; plus strand). Cytogenetic location: 13q13.1.
Variant type: single nucleotide variant.
Coding change: c.6607G>T on transcript NM_000059.4 (MANE Select); coding-DNA position 6607, G replaced by T.
Protein change: p.Val2203Phe; replaces valine 2203 with phenylalanine.
Molecular consequence: missense variant.
Genome position (GRCh38, 1-based): chr13:32,340,962, G>T. VCF-style: chr13-32340962-G-T. GRCh37 (hg19) VCF-style: chr13-32915099-G-T.
Other names: short protein forms V2203F.
Identifiers: ClinVar variation 141952 (VCV000141952.13), dbSNP rs587782136, ClinGen allele CA024209.